The following is an entry in ClinVar:

ClinVar aggregate classification (germline): Uncertain significance. Review status: criteria provided, multiple submitters, no conflicts (2 of 4 stars). 2 submissions from 2 submitters: Uncertain significance (2). Last evaluated 2025-08-06.

Conditions:
Inborn genetic diseases. Identifiers: MedGen C0950123, MeSH D030342.
Combined oxidative phosphorylation defect type 14. Also called: Combined oxidative phosphorylation deficiency 14. Identifiers: Orphanet 319519, MedGen C4755312, MONDO:0013986, OMIM 614946.

Allele frequency attached by ClinVar (database versions not stated): gnomAD exomes below 0.00001 and 0.00001; TOPMed below 0.00001; ExAC 0.00001.
gnomAD v4.1: 21 of 1,614,112 alleles (0.0013%); highest among the groups gnomAD compares: Non-Finnish European, 0.0017%; no homozygotes.

Submissions (2):

Labcorp Genetics (formerly Invitae), Labcorp
Classification: Uncertain significance for Combined oxidative phosphorylation defect type 14. Last evaluated: 2025-08-06. Review status: criteria provided, single submitter. Criteria: Invitae Variant Classification Sherloc (09022015). Collection method: clinical testing. Allele origin: germline.
Comment: This sequence change replaces methionine, which is neutral and non-polar, with valine, which is neutral and non-polar, at codon 421 of the FARS2 protein (p.Met421Val). This variant is present in population databases (rs757022549, gnomAD 0.0009%). This variant has not been reported in the literature in individuals affected with FARS2-related conditions. ClinVar contains an entry for this variant (Variation ID: 1043088). Invitae Evidence Modeling of protein sequence and biophysical properties (such as structural, functional, and spatial information, amino acid conservation, physicochemical variation, residue mobility, and thermodynamic stability) indicates that this missense variant is not expected to disrupt FARS2 protein function with a negative predictive value of 80%. In summary, the available evidence is currently insufficient to determine the role of this variant in disease. Therefore, it has been classified as a Variant of Uncertain Significance.

Ambry Genetics
Classification: Uncertain significance for Inborn genetic diseases. Last evaluated: 2025-06-23. Review status: criteria provided, single submitter. Criteria: Ambry Variant Classification Scheme 2023. Collection method: clinical testing. Allele origin: germline.

NM_006567.5(FARS2):c.1261A>G (p.Met421Val)

Gene: FARS2 (phenylalanyl-tRNA synthetase 2, mitochondrial; plus strand). Cytogenetic location: 6p25.1.
Variant type: single nucleotide variant.
Coding change: c.1261A>G on transcript NM_006567.5 (MANE Select); coding-DNA position 1261, A replaced by G.
Protein change: p.Met421Val; replaces methionine 421 with valine.
Molecular consequence: missense variant.
Genome position (GRCh38, 1-based): chr6:5,771,334, A>G. VCF-style: chr6-5771334-A-G. GRCh37 (hg19) VCF-style: chr6-5771567-A-G.
Other names: c.1261A>G, p.Met421Val (NM_001318872.2, NM_001374875.1, NM_001374876.1 and 4 more transcripts); c.1129A>G, p.Met377Val (NM_001375258.1); c.565A>G, p.Met189Val (NM_001375259.1, NM_001375260.1); c.1261A>G (NM_006567.3); short protein forms M377V, M189V, M421V.
Identifiers: ClinVar variation 1043088 (VCV001043088.7), dbSNP rs757022549, ClinGen allele CA3623929.
Genomic context (GRCh38, chr6:5,771,334, plus strand): 5'-TCTCTTCCTCTCTGTAGGACGCACAAGACCAGCCACTGCTACCGCATCACGTACCGCCAC[A>G]TGGAACGGACTCTGTCCCAGAGAGAGGTCAGGCACATCCACCAGGCCTTGCAGGAGGCTG-3'
Protein context (NP_006558.1, residues 411-431): SHCYRITYRH[Met421Val]ERTLSQREVR